The following is an entry in ClinVar:

NM_001040142.2(SCN2A):c.3623A>C (p.Asn1208Thr)

Gene: SCN2A (sodium voltage-gated channel alpha subunit 2; plus strand). Cytogenetic location: 2q24.3.
Variant type: single nucleotide variant.
Coding change: c.3623A>C on transcript NM_001040142.2 (MANE Select); coding-DNA position 3623, A replaced by C.
Protein change: p.Asn1208Thr; replaces asparagine 1208 with threonine.
Molecular consequence: missense variant.
Genome position (GRCh38, 1-based): chr2:165,367,319, A>C. VCF-style: chr2-165367319-A-C. GRCh37 (hg19) VCF-style: chr2-166223829-A-C.
Other names: c.3623A>C, p.Asn1208Thr (NM_001040143.2, NM_001371246.1, NM_001371247.1 and 1 more transcripts); short protein forms N1208T.
Identifiers: ClinVar variation 2502604 (VCV002502604.1), dbSNP rs781032326, ClinGen allele CA1940143.

ClinVar aggregate classification (germline): Uncertain significance (1 of 4 stars; one submission).

gnomAD v4.1: 1 of 1,614,204 alleles (0.000062%); highest among the groups gnomAD compares: South Asian, 0.0011%; no homozygotes.

Submission:

GeneDx
Classification: Uncertain significance. Last evaluated: 2022-11-22. Review status: criteria provided, single submitter. Criteria: GeneDx Variant Classification Process June 2021. Collection method: clinical testing. Allele origin: germline. Affected: yes.
Comment: This substitution is predicted to be in the cytoplasmic loop between the second and third homologous domains; Not observed at significant frequency in large population cohorts (gnomAD); Missense variants in this gene are often considered pathogenic (HGMD); In silico analysis supports that this missense variant has a deleterious effect on protein structure/function; Has not been previously published as pathogenic or benign to our knowledge